The following is an entry in ClinVar:

NM_032444.4(SLX4):c.3734C>T (p.Pro1245Leu)

Gene: SLX4 (SLX4 structure-specific endonuclease subunit; minus strand). Cytogenetic location: 16p13.3.
Variant type: single nucleotide variant.
Coding change: c.3734C>T on transcript NM_032444.4 (MANE Select); coding-DNA position 3734, C replaced by T.
Protein change: p.Pro1245Leu; replaces proline 1245 with leucine.
Molecular consequence: missense variant.
Genome position (GRCh38, 1-based): chr16:3,589,904, G>A on the plus strand (C>T on the coding strand, the complement: SLX4 is on the minus strand). VCF-style: chr16-3589904-G-A. GRCh37 (hg19) VCF-style: chr16-3639905-G-A.
Other names: short protein forms P1245L.
Identifiers: ClinVar variation 2143236 (VCV002143236.2), dbSNP rs748912324, ClinGen allele CA7865852.
Genomic context (GRCh38, chr16:3,589,904, plus strand): 5'-CTGCTGGCCAGCGGGGTGGCGGGCACCAGCCACGAGGTGTCTGTGGTGCTGGCCTCGCTG[G>A]GGCTGCTCTCACGGTCACAGAACAGCCAGGGAGCCCCTCTCCTGCCCAAAGAGCCCCGAT-3'
Protein context (NP_115820.2, residues 1235-1255): PWLFCDRESS[Pro1245Leu]SEASTTDTSW

ClinVar aggregate classification (germline): Uncertain significance (1 of 4 stars; one submission).

Conditions:
Fanconi anemia (FA). Also called: Fanconi's anemia. Identifiers: Orphanet 84, MedGen C0015625, MeSH D005199, MONDO:0019391.

Allele frequency attached by ClinVar (database versions not stated): gnomAD exomes below 0.00001; ExAC 0.00001.

Submission:

Labcorp Genetics (formerly Invitae), Labcorp
Classification: Uncertain significance for Fanconi anemia. Last evaluated: 2022-04-18. Review status: criteria provided, single submitter. Criteria: Invitae Variant Classification Sherloc (09022015). Collection method: clinical testing. Allele origin: germline.
Comment: This sequence change replaces proline, which is neutral and non-polar, with leucine, which is neutral and non-polar, at codon 1245 of the SLX4 protein (p.Pro1245Leu). This variant is present in population databases (rs748912324, gnomAD 0.003%). This variant has not been reported in the literature in individuals affected with SLX4-related conditions. Algorithms developed to predict the effect of missense changes on protein structure and function output the following: SIFT: "Tolerated"; PolyPhen-2: "Benign"; Align-GVGD: "Class C0". The leucine amino acid residue is found in multiple mammalian species, which suggests that this missense change does not adversely affect protein function. In summary, the available evidence is currently insufficient to determine the role of this variant in disease. Therefore, it has been classified as a Variant of Uncertain Significance.